The following is an entry in ClinVar:

ClinVar aggregate classification (germline): Pathogenic/Likely pathogenic. Review status: criteria provided, multiple submitters, no conflicts (2 of 4 stars). 10 submissions from 10 submitters: Pathogenic (9); Likely pathogenic (1). Last evaluated 2026-01-22.

Conditions:
DPYS-related disorders.
DPYS-related disorder. Also called: DPYS-related condition.
Dihydropyrimidinase deficiency (DPYSD). Also called: dihydropyrimidinuria; DPH DEFICIENCY; DPYS DEFICIENCY. Identifiers: Orphanet 38874, MedGen C0342803, MONDO:0009111, OMIM 222748.

Allele frequency attached by ClinVar (database versions not stated): gnomAD 0.00010 and 0.00011; ExAC 0.00013; gnomAD exomes 0.00014; TOPMed 0.00014.
gnomAD v4.1: 201 of 1,613,916 alleles (0.012%); highest among the groups gnomAD compares: Middle Eastern, 0.066%; no homozygotes.

Submissions (10):

Labcorp Genetics (formerly Invitae), Labcorp
Classification: Pathogenic. Last evaluated: 2026-01-22. Review status: criteria provided, single submitter. Criteria: Invitae Variant Classification Sherloc (09022015). Collection method: clinical testing. Allele origin: germline.
Comment: This sequence change creates a premature translational stop signal (p.Arg475*) in the DPYS gene. It is expected to result in an absent or disrupted protein product. Loss-of-function variants in DPYS are known to be pathogenic (PMID: 20362666). This variant is present in population databases (rs61758444, gnomAD 0.02%). This premature translational stop signal has been observed in individual(s) with dihydropyrimidinuria (PMID: 20362666). ClinVar contains an entry for this variant (Variation ID: 446083). Algorithms developed to predict the effect of variants on gene product structure and function are not available or were not evaluated for this variant. Experimental studies have shown that this premature translational stop signal affects DPYS function (PMID: 20362666, 28642038). For these reasons, this variant has been classified as Pathogenic.

PreventionGenetics, part of Exact Sciences
Classification: Pathogenic for DPYS-related condition. Last evaluated: 2025-11-26. Review status: criteria provided, single submitter. Criteria: ACMG Guidelines, 2015. Collection method: clinical testing. Allele origin: germline.
Comment: The DPYS c.1423C>T variant is predicted to result in premature protein termination (p.Arg475*). This variant has been reported in individuals with dihydropyrimidinase deficiency (see examples: van Kuilenburg et al. 2010. PubMed ID: 20362666; Hishinuma et al. 2017. PubMed ID: 28642038). This variant is reported in 0.023% of alleles in individuals of European (Non-Finnish) descent in gnomAD. Nonsense variants in DPYS are expected to be pathogenic. This variant is interpreted as pathogenic.

Dasa
Classification: Pathogenic. Last evaluated: 2025-09-16. Review status: criteria provided, single submitter. Criteria: DASA Assertion Criteria. Collection method: clinical testing. Allele origin: germline.
Comment: NM_001385.3(DPYS):c.1423C>T (p.Arg475*) introduces a premature termination codon predicted to result in loss of normal protein function. Loss-of-function is an established mechanism of disease for this gene. This variant has been reported in individuals with related phenotype (PMID: 20362666). The variant is present at low frequency in population datasets. Based on the available data, this variant is classified as pathogenic.

Blueprint Genetics
Classification: Pathogenic for DPYS-related disorders. Last evaluated: 2024-11-13. Review status: criteria provided, single submitter. Criteria: ACMG Guidelines, 2015. Collection method: clinical testing. Allele origin: germline. Affected: yes. Observed: 5 variant alleles.

Women's Health and Genetics/Laboratory Corporation of America, LabCorp
Classification: Pathogenic for Dihydropyrimidinase deficiency. Last evaluated: 2024-07-05. Review status: criteria provided, single submitter. Criteria: LabCorp Variant Classification Summary - May 2015. Collection method: clinical testing. Allele origin: germline.
Comment: Variant summary: DPYS c.1423C>T (p.Arg475X) results in a premature termination codon, predicted to cause a truncation of the encoded protein or absence of the protein due to nonsense mediated decay, which are commonly known mechanisms for disease. The variant allele was found at a frequency of 0.00014 in 251044 control chromosomes. This frequency is not significantly higher than estimated for a pathogenic variant in DPYS causing Dihydropyrimidinase Deficiency, allowing no conclusion about variant significance. c.1423C>T has been reported in the literature in at least one homozygous individual affected with Dihydropyrimidinase Deficiency (e.g. vanKuilenburg_2010). These data indicate that the variant may be associated with disease. At least one publication reports experimental evidence evaluating an impact on protein function. The most pronounced variant effect results in <10% of normal enzyme activity (e.g. vanKuilenburg_2010). ClinVar contains an entry for this variant (Variation ID: 446083). Based on the evidence outlined above, the variant was classified as pathogenic.

Genomic Medicine Center of Excellence, King Faisal Specialist Hospital and Research Centre
Classification: Pathogenic for Dihydropyrimidinase deficiency. Last evaluated: 2024-04-04. Review status: criteria provided, single submitter. Criteria: ACMG Guidelines, 2015. Collection method: clinical testing. Allele origin: germline.

GeneDx
Classification: Pathogenic. Last evaluated: 2023-12-18. Review status: criteria provided, single submitter. Criteria: GeneDx Variant Classification Process June 2021. Collection method: clinical testing. Allele origin: germline. Affected: yes.
Comment: Published functional studies found this variant is associated with significantly reduced enzyme activity and reduced protein stability (PMID: 20362666, 28642038); Nonsense variant in the C-terminus predicted to result in protein truncation, as the last 45 amino acids are lost, and other loss-of-function variants have been reported downstream in HGMD; This variant is associated with the following publications: (PMID: 25525159, 31589614, 28642038, 34426522, 20362666)

New York Genome Center
Classification: Likely pathogenic for Dihydropyrimidinase deficiency. Last evaluated: 2021-10-08. Review status: criteria provided, single submitter. Criteria: NYGC Assertion Criteria 2020. Collection method: clinical testing. Allele origin: inherited. Observed: 1 heterozygote. Study: CSER-NYCKidSeq.

Institute of Medical Genetics and Applied Genomics, University Hospital Tübingen
Classification: Pathogenic. Last evaluated: 2020-10-23. Review status: criteria provided, single submitter. Criteria: ACMG Guidelines, 2015. Collection method: clinical testing. Allele origin: germline. Inheritance: Unknown mechanism. Affected: yes.

Center for Pediatric Genomic Medicine, Children's Mercy Hospital and Clinics
Classification: Pathogenic. Last evaluated: 2017-07-28. Review status: criteria provided, single submitter. Criteria: ACMG Guidelines, 2015. Collection method: clinical testing. Allele origin: germline.

Literature cited by the submitters: PubMed 20362666 (cited by 3 submitters); PubMed 28642038 (cited by Labcorp Genetics (formerly Invitae), Labcorp).

NM_001385.3(DPYS):c.1423C>T (p.Arg475Ter)

Gene: DPYS (dihydropyrimidinase; minus strand). Cytogenetic location: 8q22.3.
Variant type: single nucleotide variant.
Coding change: c.1423C>T on transcript NM_001385.3 (MANE Select); coding-DNA position 1423, C replaced by T.
Protein change: p.Arg475Ter; replaces arginine 475 with a stop codon.
Molecular consequence: nonsense.
Genome position (GRCh38, 1-based): chr8:104,392,804, G>A on the plus strand (C>T on the coding strand, the complement: DPYS is on the minus strand). VCF-style: chr8-104392804-G-A. GRCh37 (hg19) VCF-style: chr8-105405032-G-A.
Other names: short protein forms R475*.
Identifiers: ClinVar variation 446083 (VCV000446083.19), dbSNP rs61758444, ClinGen allele CA4838287.
Genomic context (GRCh38, chr8:104,392,804, plus strand): 5'-CAGTCCGACTTGTGGCAGTATCCCACTGTGGCACACTCACCCGGTCTCGCTGCTTTATTC[G>A]TTTGTAAATATATTCAGCAAATGGTTTTCGAGGAATAAACTTCCCATCTCCTGCCGTGAC-3'